The following continues an entry in ClinVar:

NM_000492.4(CFTR):c.1853T>C (p.Ile618Thr)

Gene: CFTR. ClinVar aggregate classification (germline): Pathogenic/Likely pathogenic. Pathogenic (6); Likely pathogenic (9).

Submissions 9 to 16 of 16:

Women's Health and Genetics/Laboratory Corporation of America, LabCorp
Classification: Pathogenic for Cystic fibrosis. Last evaluated: 2022-03-04. Review status: criteria provided, single submitter. Criteria: LabCorp Variant Classification Summary - May 2015. Collection method: clinical testing. Allele origin: germline.
Comment: Variant summary: Variant summary: CFTR c.1853T>C (p.Ile618Thr) results in a non-conservative amino acid change located in the ABC transporter-like domain (IPR003439) and AAA+ ATPase domain (IPR003593) of the encoded protein sequence. Five of five in-silico tools predict a damaging effect of the variant on protein function (ACMG PP3). The variant allele was found at a frequency of 3.8e-05 in 262104 control chromosomes (gnomAD). This frequency is not significantly higher than expected for a pathogenic variant in CFTR causing Non-classic Cystic Fibrosis (3.8e-05 vs 0.013), allowing no conclusion about variant significance. The variant, c.1853T>C, has been reported in the literature in compound heterozygosity with p.F508del or p.G542X in at-least three individuals affected with Non-classic (Pancreatically sufficient/mild phenotypes) Cystic Fibrosis (Macek 1997, Sousa 2012, Faria_2017). These data indicate that the variant may be associated with disease although multiple publications reporting the same patients confound distinct ascertainment (example, Vankeerberghen_1998, Marson_2012A, Marson_2013, Guimbellot_2017, Goncalves_2018, Pereira_2019, Faria_2017). Additionally, this variant has been observed in compound heterozygosity with other classic CFTR mutations such as p.A559T (c.1675G>A), p.F508del (c.1521_1523delCTT) and p.Ser1255X (c.3764C>A) in at-least three patients (a pair of sibs and two other distinct patients) sequenced for the CFTR gene at our laboratory. Detailed clinical information was available on one of these patients who was confirmed to have a known diagnosis of pancreatically insufficient CF with elevated sweat chloride levels, positivity for CF pathogens, severe baseline lung disease, and sinusitis. As the compound heterozygous genotypes observed in our laboratory are distinct (p.A559T and p.Ser1255X) from those reported in the literature, these data indicate that the variant is likely to be associated with disease (ACMG PP4). One publication, Pasyk_1998, reported this variant exhibits <50% of normal activity as chloride channel (ACMG PS3) while another publication, Vankeerberghen_1998, not providing primary data, reported this variant as resulting in abnormal processing leading to no or minimal functional CFTR proteins appearing at the cell membranes. Seven clinical diagnostic laboratories have submitted clinical-significance assessments for this variant to ClinVar after 2014 without evidence for independent evaluation and a complete consensus (Likely Pathogenic, n=5, Pathogenic, n=2). Some submitters cite overlapping evidence utilized in the context of this evaluation. Based on the evidence outlined above, the variant was classified as pathogenic.

Blueprint Genetics
Classification: Likely pathogenic for CFTR-related disorders. Last evaluated: 2022-01-03. Review status: criteria provided, single submitter. Criteria: ACMG Guidelines, 2015. Collection method: clinical testing. Allele origin: germline. Affected: yes. Observed: 1 variant allele.

Mayo Clinic Laboratories, Mayo Clinic
Classification: Likely pathogenic. Last evaluated: 2021-07-29. Review status: criteria provided, single submitter. Criteria: ACMG Guidelines, 2015. Collection method: clinical testing. Allele origin: germline.
Comment: PP3, PM2, PM3_strong, PS3

Johns Hopkins Genomics, Johns Hopkins University
Classification: Likely pathogenic for Cystic fibrosis. Last evaluated: 2019-03-01. Review status: criteria provided, single submitter. Criteria: ACMG Guidelines, 2015. Collection method: clinical testing. Allele origin: germline.
Comment: This CFTR variant (rs139468767) has been previously reported and is rare in large population datasets (gnomAD: 10/261916 total alleles; 0.003818%; no homozygotes). There are conflicting interpretations of the pathogenicity of this variant in ClinVar. Two submitters classified it as pathogenic and a third as a variant of uncertain clinical significance. Independent functional studies determined that this protein does not mature into its fully glycosylated state. Additionally, if any protein is properly trafficked, it is predicted to have reduced chloride conductance. This variant is considered likely pathogenic.

Mendelics
Classification: Pathogenic for Cystic fibrosis. Last evaluated: 2018-11-05. Review status: criteria provided, single submitter. Criteria: Mendelics Assertion Criteria 2017. Collection method: clinical testing. Allele origin: unknown. Affected: yes.

Eurofins Ntd Llc (ga)
Classification: Pathogenic. Last evaluated: 2017-01-16. Review status: criteria provided, single submitter. Criteria: EGL Classification Definitions. Collection method: clinical testing. Allele origin: germline. Observed: 4 variant alleles, 4 heterozygotes.

Baylor Genetics
Classification: Likely pathogenic for Congenital bilateral aplasia of vas deferens from CFTR mutation; Cystic fibrosis. Review status: criteria provided, single submitter. Criteria: ACMG Guidelines, 2015. Collection method: clinical testing. Allele origin: germline.

PreventionGenetics, part of Exact Sciences
Classification: Likely pathogenic for CFTR-related condition. Last evaluated: 2024-08-11. Review status: no assertion criteria provided. Collection method: clinical testing. Allele origin: germline. Not counted in ClinVar's aggregate classification.
Comment: The CFTR c.1853T>C variant is predicted to result in the amino acid substitution p.Ile618Thr. This variant has been reported as pathogenic in patients with cystic fibrosis (Macek et al. 1997. PubMed ID: 9150159; Faria et al. 2017. PubMed ID: 29124052; Sousa et al. 2012. PubMed ID: 23082198; Pereira et al. 2019. PubMed ID: 30996306), and is listed in ClinVar as pathogenic and likely pathogenic. This variant is reported in 0.041% of alleles in individuals of African descent in gnomAD. This variant is interpreted as likely pathogenic.

Literature cited by the submitters: PubMed 36969284 (cited by Natera, Inc.); PubMed 28712885 (cited by Natera, Inc.); PubMed 23082198 (cited by 4 submitters); PubMed 9736778 (cited by 6 submitters); PubMed 36582049 (cited by Natera, Inc.); PubMed 9150159 (cited by 4 submitters); PubMed 23857699 (cited by Labcorp Genetics (formerly Invitae), Labcorp); PubMed 9822639 (cited by 6 submitters); PubMed 29782810 (cited by Ambry Genetics and Women's Health and Genetics/Laboratory Corporation of America, LabCorp); PubMed 38388235 (cited by Ambry Genetics); PubMed 31036917 (cited by Quest Diagnostics Nichols Institute San Juan Capistrano); PubMed 30996306 (cited by 3 submitters); PubMed 20849526 (cited by Quest Diagnostics Nichols Institute San Juan Capistrano and Women's Health and Genetics/Laboratory Corporation of America, LabCorp); PubMed 29124052 (cited by Quest Diagnostics Nichols Institute San Juan Capistrano and Women's Health and Genetics/Laboratory Corporation of America, LabCorp); PubMed 23758905 (cited by Women's Health and Genetics/Laboratory Corporation of America, LabCorp); PubMed 22950544 (cited by Women's Health and Genetics/Laboratory Corporation of America, LabCorp); PubMed 25735457 (cited by Women's Health and Genetics/Laboratory Corporation of America, LabCorp); PubMed 29202459 (cited by Women's Health and Genetics/Laboratory Corporation of America, LabCorp); PubMed 22874010 (cited by Women's Health and Genetics/Laboratory Corporation of America, LabCorp).